The following is an entry in ClinVar:

NM_020937.4(FANCM):c.2812G>T (p.Ala938Ser)

Gene: FANCM (FA complementation group M; plus strand). Cytogenetic location: 14q21.2.
Variant type: single nucleotide variant.
Coding change: c.2812G>T on transcript NM_020937.4 (MANE Select); coding-DNA position 2812, G replaced by T.
Protein change: p.Ala938Ser; replaces alanine 938 with serine.
Molecular consequence: missense variant.
Genome position (GRCh38, 1-based): chr14:45,175,566, G>T. VCF-style: chr14-45175566-G-T. GRCh37 (hg19) VCF-style: chr14-45644769-G-T.
Other names: c.2734G>T, p.Ala912Ser (NM_001308133.2); short protein forms A938S, A912S.
Identifiers: ClinVar variation 2999022 (VCV002999022.4), dbSNP rs2139243991, ClinGen allele CA389599232.
Genomic context (GRCh38, chr14:45,175,566, plus strand): 5'-AAAGAACCGTGTGTGTTATTAACAGAGTGTCAGTTTACAAATAAATCCACTAGTTCACTT[G>T]CTGGAAATGTTTTAGATTCTGGTTATAACAGTTTCAATGATGAAAAATCTGTTTCATCTA-3'
Protein context (NP_065988.1, residues 928-948): QFTNKSTSSL[Ala938Ser]GNVLDSGYNS

ClinVar aggregate classification (germline): Uncertain significance. Review status: criteria provided, multiple submitters, no conflicts (2 of 4 stars). 2 submissions from 2 submitters: Uncertain significance (2). Last evaluated 2026-07-25.

Conditions:
Fanconi anemia (FA). Also called: Fanconi's anemia. Identifiers: Orphanet 84, MedGen C0015625, MeSH D005199, MONDO:0019391.
Inborn genetic diseases. Identifiers: MedGen C0950123, MeSH D030342.

Submissions (2):

Ambry Genetics
Classification: Uncertain significance for Inborn genetic diseases. Last evaluated: 2026-07-25. Review status: criteria provided, single submitter. Criteria: Ambry Variant Classification Scheme 2023. Collection method: clinical testing. Allele origin: germline.
Comment: The p.A938S variant (also known as c.2812G>T), located in coding exon 14 of the FANCM gene, results from a G to T substitution at nucleotide position 2812. The alanine at codon 938 is replaced by serine, an amino acid with similar properties. This amino acid position is conserved. In addition, this alteration is predicted to be tolerated by in silico analysis. Based on the available evidence, the clinical significance of this variant remains unclear.

Labcorp Genetics (formerly Invitae), Labcorp
Classification: Uncertain significance for Fanconi anemia. Last evaluated: 2023-02-17. Review status: criteria provided, single submitter. Criteria: Invitae Variant Classification Sherloc (09022015). Collection method: clinical testing. Allele origin: germline.
Comment: This sequence change replaces alanine, which is neutral and non-polar, with serine, which is neutral and polar, at codon 938 of the FANCM protein (p.Ala938Ser). This variant is not present in population databases (gnomAD no frequency). This variant has not been reported in the literature in individuals affected with FANCM-related conditions. An algorithm developed to predict the effect of missense changes on protein structure and function (PolyPhen-2) suggests that this variant is likely to be tolerated. In summary, the available evidence is currently insufficient to determine the role of this variant in disease. Therefore, it has been classified as a Variant of Uncertain Significance.